The following is an entry in ClinVar:

NM_016035.5(COQ4):c.681C>T (p.Arg227=)

Gene: COQ4 (coenzyme Q4; plus strand). Cytogenetic location: 9q34.11.
Variant type: single nucleotide variant.
Coding change: c.681C>T on transcript NM_016035.5 (MANE Select); coding-DNA position 681, C replaced by T.
Protein change: p.Arg227=; no amino-acid change (arginine 227 retained).
Molecular consequence: synonymous variant. On other transcripts: 3 prime UTR variant (1).
Genome position (GRCh38, 1-based): chr9:128,333,528, C>T. VCF-style: chr9-128333528-C-T. GRCh37 (hg19) VCF-style: chr9-131095807-C-T.
Other names: c.*57C>T (NM_001305942.2).
Identifiers: ClinVar variation 476187 (VCV000476187.9), dbSNP rs147390140, ClinGen allele CA5260672.
Genomic context (GRCh38, chr9:128,333,528, plus strand): 5'-CCACAGGAGCCTGCAAGTGCTGGTCTCGGAGTTGATCCCATGGGCCGTTCAGAACGGGCG[C>T]AGAGCCCCATGTGTCCTCAACCTGTACTATGAGCGGCGCTGGGAGCAGTCCCTGAGGGCT-3'
Protein context (NP_057119.3, residues 217-237): ELIPWAVQNG[Arg227=]RAPCVLNLYY

ClinVar aggregate classification (germline): Likely benign. Review status: criteria provided, multiple submitters, no conflicts (2 of 4 stars). 2 submissions from 2 submitters: Likely benign (2). Last evaluated 2025-06-03.

Conditions:
Neonatal encephalomyopathy-cardiomyopathy-respiratory distress syndrome. Also called: Coenzyme Q10 deficiency, primary, 7. Identifiers: Orphanet 457185, MedGen C5568562, MONDO:0014562, OMIM 616276.

Allele frequency attached by ClinVar (database versions not stated): gnomAD 0.00002 and 0.00006; gnomAD exomes 0.00004 and 0.00014; TOPMed 0.00009; ExAC 0.00015; 1000 Genomes Project 30x 0.00062; 1000 Genomes Project 0.00080.
gnomAD v4.1: 73 of 1,602,110 alleles (0.0046%); highest among the groups gnomAD compares: East Asian, 0.14%; 1 homozygote.

Submissions (2):

Labcorp Genetics (formerly Invitae), Labcorp
Classification: Likely benign for Neonatal encephalomyopathy-cardiomyopathy-respiratory distress syndrome. Last evaluated: 2025-06-03. Review status: criteria provided, single submitter. Criteria: Invitae Variant Classification Sherloc (09022015). Collection method: clinical testing. Allele origin: germline.

GeneDx
Classification: Likely benign. Last evaluated: 2018-01-02. Review status: criteria provided, single submitter. Criteria: GeneDx Variant Classification (06012015). Collection method: clinical testing. Allele origin: germline. Affected: yes.
Comment: This variant is considered likely benign or benign based on one or more of the following criteria: it is a conservative change, it occurs at a poorly conserved position in the protein, it is predicted to be benign by multiple in silico algorithms, and/or has population frequency not consistent with disease.